The following is an entry in ClinVar:

ClinVar aggregate classification (germline): Uncertain significance (1 of 4 stars; one submission).

Conditions:
MEGF10-related myopathy (CMYO10A). Also called: Congenital myopathy 10A, severe variant. Identifiers: Orphanet 439212, MedGen C3280679, MONDO:0013731, OMIM 614399.

Submission:

Labcorp Genetics (formerly Invitae), Labcorp
Classification: Uncertain significance for MEGF10-related myopathy. Last evaluated: 2022-05-05. Review status: criteria provided, single submitter. Criteria: Invitae Variant Classification Sherloc (09022015). Collection method: clinical testing. Allele origin: germline.
Comment: This sequence change replaces arginine, which is basic and polar, with serine, which is neutral and polar, at codon 947 of the MEGF10 protein (p.Arg947Ser). This variant is not present in population databases (gnomAD no frequency). In summary, the available evidence is currently insufficient to determine the role of this variant in disease. Therefore, it has been classified as a Variant of Uncertain Significance. Algorithms developed to predict the effect of missense changes on protein structure and function are either unavailable or do not agree on the potential impact of this missense change (SIFT: "Deleterious"; PolyPhen-2: "Benign"; Align-GVGD: "Class C0"). This variant has not been reported in the literature in individuals affected with MEGF10-related conditions.

NM_001256545.2(MEGF10):c.2841G>C (p.Arg947Ser)

Gene: MEGF10 (multiple EGF like domains 10; plus strand). Cytogenetic location: 5q23.2.
Variant type: single nucleotide variant.
Coding change: c.2841G>C on transcript NM_001256545.2 (MANE Select); coding-DNA position 2841, G replaced by C.
Protein change: p.Arg947Ser; replaces arginine 947 with serine.
Molecular consequence: missense variant.
Genome position (GRCh38, 1-based): chr5:127,447,669, G>C. VCF-style: chr5-127447669-G-C. GRCh37 (hg19) VCF-style: chr5-126783361-G-C.
Other names: c.2841G>C, p.Arg947Ser (NM_032446.3); short protein forms R947S.
Identifiers: ClinVar variation 2134206 (VCV002134206.4), dbSNP rs555880776, ClinGen allele CA126968320.